The following is an entry in ClinVar:

NM_007294.4(BRCA1):c.466C>T (p.Leu156Phe)

Gene: BRCA1 (BRCA1 DNA repair associated; minus strand). Cytogenetic location: 17q21.31.
Variant type: single nucleotide variant.
Coding change: c.466C>T on transcript NM_007294.4 (MANE Select); coding-DNA position 466, C replaced by T.
Protein change: p.Leu156Phe; replaces leucine 156 with phenylalanine.
Molecular consequence: missense variant. On other transcripts: non-coding transcript variant (1).
Genome position (GRCh38, 1-based): chr17:43,099,856, G>A on the plus strand (C>T on the coding strand, the complement: BRCA1 is on the minus strand). VCF-style: chr17-43099856-G-A. GRCh37 (hg19) VCF-style: chr17-41251873-G-A.
Other names: c.466C>T, p.Leu156Phe (NM_001408420.1, NM_001407602.1, NM_001407603.1 and 97 more transcripts); c.463C>T, p.Leu155Phe (NM_001408421.1, NM_001408424.1, NM_001407610.1 and 65 more transcripts); c.325C>T, p.Leu109Phe (NM_001407752.1, NM_001407751.1, NM_001407692.1 and 61 more transcripts); c.322C>T, p.Leu108Phe (NM_001407839.1, NM_001407841.1, NM_001407842.1 and 35 more transcripts); c.253C>T, p.Leu85Phe (NM_001407853.1, NM_001407894.1, NM_001407895.1 and 18 more transcripts); c.388C>T, p.Leu130Phe (NM_001407862.1, NM_001408409.1, NM_001408411.1 and 12 more transcripts); c.385C>T, p.Leu129Phe (NM_001407874.1, NM_001407875.1, NM_001408413.1 and 6 more transcripts); c.256C>T, p.Leu86Phe (NM_001407879.1, NM_001407881.1, NM_001407882.1 and 37 more transcripts); and 4 more; short protein forms L156F, L109F, L29F, L85F, L111F, L130F, L155F, L108F.
Identifiers: ClinVar variation 409330 (VCV000409330.19), dbSNP rs587778115, ClinGen allele CA10601204.

ClinVar aggregate classification (germline): Uncertain significance. Review status: criteria provided, multiple submitters, no conflicts (2 of 4 stars). 4 submissions from 4 submitters: Uncertain significance (4). Last evaluated 2024-04-22.

Conditions:
Hereditary breast ovarian cancer syndrome. Also called: Hereditary breast and ovarian cancer; Hereditary breast and/or ovarian cancer syndrome; BRCA1- and BRCA2-Associated Hereditary Breast and Ovarian Cancer; Hereditary breast and ovarian cancer syndrome; Hereditary breast and ovarian cancer syndrome (HBOC); Breast and ovarian cancer. Identifiers: Orphanet 145, MedGen C0677776, MeSH D061325, MONDO:0003582. Disease mechanism: loss of function.
Hereditary cancer-predisposing syndrome. Also called: Tumor predisposition; Hereditary Cancer Syndrome; Hereditary neoplastic syndrome; Neoplastic Syndromes, Hereditary. Identifiers: Orphanet 140162, MedGen C0027672, MeSH D009386, MONDO:0015356.

Submissions (4):

Labcorp Genetics (formerly Invitae), Labcorp
Classification: Uncertain significance for Hereditary breast ovarian cancer syndrome. Last evaluated: 2024-04-22. Review status: criteria provided, single submitter. Criteria: Invitae Variant Classification Sherloc (09022015). Collection method: clinical testing. Allele origin: germline.
Comment: This sequence change replaces leucine, which is neutral and non-polar, with phenylalanine, which is neutral and non-polar, at codon 156 of the BRCA1 protein (p.Leu156Phe). This variant is not present in population databases (gnomAD no frequency). This variant has not been reported in the literature in individuals affected with BRCA1-related conditions. ClinVar contains an entry for this variant (Variation ID: 409330). Advanced modeling of protein sequence and biophysical properties (such as structural, functional, and spatial information, amino acid conservation, physicochemical variation, residue mobility, and thermodynamic stability) performed at Invitae indicates that this missense variant is not expected to disrupt BRCA1 protein function with a negative predictive value of 95%. In summary, the available evidence is currently insufficient to determine the role of this variant in disease. Therefore, it has been classified as a Variant of Uncertain Significance.

Institute for Clinical Genetics, University Hospital TU Dresden, University Hospital TU Dresden
Classification: Uncertain significance. Last evaluated: 2021-11-03. Review status: criteria provided, single submitter. Criteria: ACMG Guidelines, 2015. Collection method: clinical testing. Allele origin: germline.

Ambry Genetics
Classification: Uncertain significance for Hereditary cancer-predisposing syndrome. Last evaluated: 2020-09-29. Review status: criteria provided, single submitter. Criteria: Ambry Variant Classification Scheme 2023. Collection method: clinical testing. Allele origin: germline.
Comment: The p.L156F variant (also known as c.466C>T), located in coding exon 6 of the BRCA1 gene, results from a C to T substitution at nucleotide position 466. The leucine at codon 156 is replaced by phenylalanine, an amino acid with highly similar properties. This amino acid position is well conserved in available vertebrate species. In addition, this alteration is predicted to be deleterious by in silico analysis. Since supporting evidence is limited at this time, the clinical significance of this alteration remains unclear.

Genetic Services Laboratory, University of Chicago
Classification: Uncertain significance. Last evaluated: 2017-03-15. Review status: criteria provided, single submitter. Criteria: ACMG Guidelines, 2015. Collection method: clinical testing. Allele origin: germline. Affected: no.